The following is an entry in ClinVar:

ClinVar aggregate classification (germline): Uncertain significance (1 of 4 stars; one submission).

Allele frequency attached by ClinVar (database versions not stated): gnomAD 0.00001; TOPMed 0.00002.

Submission:

Labcorp Genetics (formerly Invitae), Labcorp
Classification: Uncertain significance. Last evaluated: 2023-08-22. Review status: criteria provided, single submitter. Criteria: Invitae Variant Classification Sherloc (09022015). Collection method: clinical testing. Allele origin: germline.
Comment: In summary, the available evidence is currently insufficient to determine the role of this variant in disease. Therefore, it has been classified as a Variant of Uncertain Significance. This sequence change replaces methionine, which is neutral and non-polar, with valine, which is neutral and non-polar, at codon 152 of the KIF22 protein (p.Met152Val). This variant is present in population databases (no rsID available, gnomAD 0.01%). This variant has not been reported in the literature in individuals affected with KIF22-related conditions. Advanced modeling of protein sequence and biophysical properties (such as structural, functional, and spatial information, amino acid conservation, physicochemical variation, residue mobility, and thermodynamic stability) performed at Invitae indicates that this missense variant is not expected to disrupt KIF22 protein function.

NM_007317.3(KIF22):c.454A>G (p.Met152Val)

Gene: KIF22 (kinesin family member 22; plus strand). Cytogenetic location: 16p11.2.
Variant type: single nucleotide variant.
Coding change: c.454A>G on transcript NM_007317.3 (MANE Select); coding-DNA position 454, A replaced by G.
Protein change: p.Met152Val; replaces methionine 152 with valine.
Molecular consequence: missense variant.
Genome position (GRCh38, 1-based): chr16:29,798,652, A>G. VCF-style: chr16-29798652-A-G. GRCh37 (hg19) VCF-style: chr16-29809973-A-G.
Other names: c.250A>G, p.Met84Val (NM_001256269.2, NM_001256270.1); short protein forms M84V, M152V.
Identifiers: ClinVar variation 2868580 (VCV002868580.3), dbSNP rs1157885503, ClinGen allele CA395452017.